The following is an entry in ClinVar:

ClinVar aggregate classification (germline): Likely pathogenic (1 of 4 stars; one submission).

Submission:

GeneDx
Classification: Likely pathogenic. Last evaluated: 2024-02-23. Review status: criteria provided, single submitter. Criteria: GeneDx Variant Classification Process June 2021. Collection method: clinical testing. Allele origin: germline. Affected: yes.
Comment: Not observed at significant frequency in large population cohorts (gnomAD); In silico analysis supports that this missense variant has a deleterious effect on protein structure/function; Has not been previously published as pathogenic or benign to our knowledge

NM_020318.3(PAPPA2):c.1967G>A (p.Cys656Tyr)

Gene: PAPPA2 (pappalysin 2; plus strand). Cytogenetic location: 1q25.2.
Variant type: single nucleotide variant.
Coding change: c.1967G>A on transcript NM_020318.3 (MANE Select); coding-DNA position 1967, G replaced by A.
Protein change: p.Cys656Tyr; replaces cysteine 656 with tyrosine.
Molecular consequence: missense variant.
Genome position (GRCh38, 1-based): chr1:176,595,571, G>A. VCF-style: chr1-176595571-G-A. GRCh37 (hg19) VCF-style: chr1-176564707-G-A.
Other names: c.1967G>A, p.Cys656Tyr (NM_021936.3); short protein forms C656Y.
Identifiers: ClinVar variation 3342438 (VCV003342438.1).